The following is an entry in ClinVar:

ClinVar aggregate classification (germline): Uncertain significance. Review status: criteria provided, multiple submitters, no conflicts (2 of 4 stars). 2 submissions from 2 submitters: Uncertain significance (2). Last evaluated 2024-12-24.

Conditions:
Charcot-Marie-Tooth disease type 4A. Also called: Charcot-Marie-Tooth disease, demyelinating, autosomal recessive, type 4a. Identifiers: Orphanet 99948, MedGen C1859198, MONDO:0008961, OMIM 214400.
Charcot-Marie-Tooth disease axonal type 2K (CMT2K). Also called: CHARCOT-MARIE-TOOTH DISEASE, AXONAL, AUTOSOMAL RECESSIVE, TYPE 2K; CHARCOT-MARIE-TOOTH NEUROPATHY, AXONAL, TYPE 2K; Charcot-Marie-Tooth disease type 2K. Identifiers: Orphanet 101097, Orphanet 99944, MedGen C1842983, MONDO:0011916, OMIM 607831.

gnomAD v4.1: 1 of 1,613,160 alleles (0.000062%); highest among the groups gnomAD compares: Non-Finnish European, 0.000085%; no homozygotes.

Submissions (2):

3billion
Classification: Uncertain significance for Charcot-Marie-Tooth disease axonal type 2K. Last evaluated: 2024-12-24. Review status: criteria provided, single submitter. Criteria: ACMG Guidelines, 2015. Collection method: clinical testing. Allele origin: germline. Affected: yes.
Comment: The variant is observed at an extremely low frequency in the gnomAD v4.1.0 dataset (total allele frequency: <0.001%). Predicted Consequence/Location: Missense variant In silico tool predictions suggest damaging effect of the variant on gene or gene product [REVEL: 0.76 (>=0.6, sensitivity 0.68 and specificity 0.92); 3Cnet: 0.99 (>=0.6, sensitivity 0.72 and precision 0.9)]. A different missense change at the same codon (p.Ser130Cys) has been reported to be associated with GDAP1-related disorder (PMID: 15944907). However the evidence of pathogenicity is insufficient at this time. Therefore, this variant is classified as VUS according to the recommendation of ACMG/AMP guideline.

Labcorp Genetics (formerly Invitae), Labcorp
Classification: Uncertain significance for Charcot-Marie-Tooth disease type 4A. Last evaluated: 2024-06-19. Review status: criteria provided, single submitter. Criteria: Invitae Variant Classification Sherloc (09022015). Collection method: clinical testing. Allele origin: germline.
Comment: This sequence change replaces serine, which is neutral and polar, with phenylalanine, which is neutral and non-polar, at codon 130 of the GDAP1 protein (p.Ser130Phe). This variant is not present in population databases (gnomAD no frequency). This variant has not been reported in the literature in individuals affected with GDAP1-related conditions. An algorithm developed to predict the effect of missense changes on protein structure and function (PolyPhen-2) suggests that this variant is likely to be disruptive. In summary, the available evidence is currently insufficient to determine the role of this variant in disease. Therefore, it has been classified as a Variant of Uncertain Significance.

Literature cited by the submitters: PubMed 15944907 (cited by 3billion).

NM_018972.4(GDAP1):c.389C>T (p.Ser130Phe)

Gene: GDAP1 (ganglioside induced differentiation associated protein 1; plus strand). Cytogenetic location: 8q21.11.
Variant type: single nucleotide variant.
Coding change: c.389C>T on transcript NM_018972.4 (MANE Select); coding-DNA position 389, C replaced by T.
Protein change: p.Ser130Phe; replaces serine 130 with phenylalanine.
Molecular consequence: missense variant. On other transcripts: intron variant (1).
Genome position (GRCh38, 1-based): chr8:74,360,215, C>T. VCF-style: chr8-74360215-C-T. GRCh37 (hg19) VCF-style: chr8-75272450-C-T.
Other names: c.185C>T, p.Ser62Phe (NM_001040875.4); c.62C>T, p.Ser21Phe (NM_001362929.2, NM_001362932.2); c.389C>T, p.Ser130Phe (NM_001362931.2); c.311-1669C>T (NM_001362930.2); short protein forms S130F, S21F, S62F.
Identifiers: ClinVar variation 3657007 (VCV003657007.3).
Genomic context (GRCh38, chr8:74,360,215, plus strand): 5'-TGCCTGATAAAGAAAGCATGTATTACCCACGGGTACAACATTACCGAGAGCTGCTTGACT[C>T]CTTGCCAATGGATGCCTATACACATGGCTGCATTTTACATCCTGAGTTAACTGTGGACTC-3'
Protein context (NP_061845.2, residues 120-140): RVQHYRELLD[Ser130Phe]LPMDAYTHGC